The following is an entry in ClinVar:

NM_018486.3(HDAC8):c.574A>G (p.Thr192Ala)

Gene: HDAC8 (histone deacetylase 8; minus strand). Cytogenetic location: Xq13.1.
Variant type: single nucleotide variant.
Coding change: c.574A>G on transcript NM_018486.3 (MANE Select); coding-DNA position 574, A replaced by G.
Protein change: p.Thr192Ala; replaces threonine 192 with alanine.
Molecular consequence: missense variant. On other transcripts: non-coding transcript variant (1), intron variant (3).
Genome position (GRCh38, 1-based): chrX:72,490,983, T>C on the plus strand (A>G on the coding strand, the complement: HDAC8 is on the minus strand). VCF-style: chrX-72490983-T-C. GRCh37 (hg19) VCF-style: chrX-71710833-T-C.
Other names: c.301A>G, p.Thr101Ala (NM_001166418.2, NM_001410728.1); c.574A>G, p.Thr192Ala (NM_001166419.2, NM_001410725.1, NM_001410729.1); c.551-1942A>G (NM_001410727.1, NM_001410730.1); c.278-1942A>G (NM_001166448.2); short protein forms T101A, T192A.
Identifiers: ClinVar variation 3362058 (VCV003362058.1).

ClinVar aggregate classification (germline): Uncertain significance (1 of 4 stars; one submission).

Submission:

GeneDx
Classification: Uncertain significance. Last evaluated: 2023-05-25. Review status: criteria provided, single submitter. Criteria: GeneDx Variant Classification Process June 2021. Collection method: clinical testing. Allele origin: germline. Affected: yes.
Comment: Not observed at significant frequency in large population cohorts (gnomAD); In silico analysis supports that this missense variant has a deleterious effect on protein structure/function; Has not been previously published as pathogenic or benign to our knowledge